The following is an entry in ClinVar:

NM_004260.4(RECQL4):c.242A>G (p.His81Arg)

Gene: RECQL4 (RecQ like helicase 4; minus strand). Cytogenetic location: 8q24.3.
Variant type: single nucleotide variant.
Coding change: c.242A>G on transcript NM_004260.4 (MANE Select); coding-DNA position 242, A replaced by G.
Protein change: p.His81Arg; replaces histidine 81 with arginine.
Molecular consequence: missense variant.
Genome position (GRCh38, 1-based): chr8:144,517,162, T>C on the plus strand (A>G on the coding strand, the complement: RECQL4 is on the minus strand). VCF-style: chr8-144517162-T-C. GRCh37 (hg19) VCF-style: chr8-145742546-T-C.
Other names: short protein forms H81R.
Identifiers: ClinVar variation 855263 (VCV000855263.7), dbSNP rs1478497967, ClinGen allele CA372692289.

ClinVar aggregate classification (germline): Uncertain significance. Review status: criteria provided, multiple submitters, no conflicts (2 of 4 stars). 2 submissions from 2 submitters: Uncertain significance (2). Last evaluated 2025-10-15.

Conditions:
Baller-Gerold syndrome (BGS). Also called: CRANIOSYNOSTOSIS WITH RADIAL DEFECTS. Identifiers: Orphanet 1225, MedGen C0265308, MONDO:0009039, OMIM 218600.
Inborn genetic diseases. Identifiers: MedGen C0950123, MeSH D030342.

Allele frequency attached by ClinVar (database versions not stated): gnomAD exomes below 0.00001.
gnomAD v4.1: 5 of 1,609,576 alleles (0.00031%); highest among the groups gnomAD compares: Non-Finnish European, 0.00042%; no homozygotes.

Submissions (2):

Ambry Genetics
Classification: Uncertain significance for Inborn genetic diseases. Last evaluated: 2025-10-15. Review status: criteria provided, single submitter. Criteria: Ambry Variant Classification Scheme 2023. Collection method: clinical testing. Allele origin: germline.
Comment: The p.H81R variant (also known as c.242A>G), located in coding exon 4 of the RECQL4 gene, results from an A to G substitution at nucleotide position 242. The histidine at codon 81 is replaced by arginine, an amino acid with highly similar properties. This amino acid position is conserved. In addition, the in silico prediction for this alteration is inconclusive. Based on the available evidence, the clinical significance of this variant remains unclear.

Labcorp Genetics (formerly Invitae), Labcorp
Classification: Uncertain significance for Baller-Gerold syndrome. Last evaluated: 2022-10-17. Review status: criteria provided, single submitter. Criteria: Invitae Variant Classification Sherloc (09022015). Collection method: clinical testing. Allele origin: germline.
Comment: This variant is not present in population databases (gnomAD no frequency). This sequence change replaces histidine, which is basic and polar, with arginine, which is basic and polar, at codon 81 of the RECQL4 protein (p.His81Arg). This variant has not been reported in the literature in individuals affected with RECQL4-related conditions. In summary, the available evidence is currently insufficient to determine the role of this variant in disease. Therefore, it has been classified as a Variant of Uncertain Significance. Advanced modeling of protein sequence and biophysical properties (such as structural, functional, and spatial information, amino acid conservation, physicochemical variation, residue mobility, and thermodynamic stability) performed at Invitae indicates that this missense variant is expected to disrupt RECQL4 protein function. ClinVar contains an entry for this variant (Variation ID: 855263).